The following is an entry in ClinVar:

ClinVar aggregate classification (germline): Conflicting classifications of pathogenicity. Review status: criteria provided, conflicting classifications (1 of 4 stars). 5 submissions from 5 submitters: Uncertain significance (3); Benign (1); Likely benign (1). Last evaluated 2025-07-21.

Conditions:
Isolated focal cortical dysplasia type II (FCORD2). Also called: CORTICAL DYSPLASIA OF TAYLOR; Focal cortical dysplasia type II. Identifiers: Orphanet 268994, MedGen C1846385, MONDO:0011818, OMIM 607341, HP:0032051.
Tuberous sclerosis syndrome (TSC). Also called: Tuberous Sclerosis Complex; Tuberous sclerosis. Identifiers: Orphanet 805, MedGen C0041341, MONDO:0001734.
Tuberous sclerosis 2 (TSC2). Identifiers: Orphanet 805, MedGen C1860707, MONDO:0013199, OMIM 613254.
Hereditary cancer-predisposing syndrome. Also called: Neoplastic Syndromes, Hereditary; Hereditary neoplastic syndrome; Tumor predisposition; Hereditary Cancer Syndrome. Identifiers: Orphanet 140162, MedGen C0027672, MeSH D009386, MONDO:0015356.

Allele frequency attached by ClinVar (database versions not stated): TOPMed below 0.00001; gnomAD 0.00001; gnomAD exomes 0.00001.

Submissions (5):

Labcorp Genetics (formerly Invitae), Labcorp
Classification: Benign for Tuberous sclerosis 2. Last evaluated: 2025-07-21. Review status: criteria provided, single submitter. Criteria: Invitae Variant Classification Sherloc (09022015). Collection method: clinical testing. Allele origin: germline.

GeneDx
Classification: Uncertain significance. Last evaluated: 2025-03-11. Review status: criteria provided, single submitter. Criteria: GeneDx Variant Classification Process June 2021. Collection method: clinical testing. Allele origin: germline. Affected: yes.
Comment: In silico analysis indicates that this missense variant does not alter protein structure/function; Has not been previously published as pathogenic or benign to our knowledge

Ambry Genetics
Classification: Likely benign for Hereditary cancer-predisposing syndrome. Last evaluated: 2024-12-09. Review status: criteria provided, single submitter. Criteria: Ambry Variant Classification Scheme 2023. Collection method: clinical testing. Allele origin: germline.

All of Us Research Program, National Institutes of Health
Classification: Uncertain significance for Tuberous sclerosis syndrome. Last evaluated: 2023-10-27. Review status: criteria provided, single submitter. Criteria: ACMG Guidelines, 2015. Collection method: clinical testing. Allele origin: germline. Inheritance: Autosomal dominant inheritance. Observed: 2 variant alleles, 2 heterozygotes.
Comment: This study involves interpretation of variants in research participants for the purpose of population health screening. Participant phenotype was not available at the time of variant classification. Additional details can be found in publication PMID: 35346344, PMCID: PMC8962531

Baylor Genetics
Classification: Uncertain significance for Isolated focal cortical dysplasia type II. Last evaluated: 2023-10-02. Review status: criteria provided, single submitter. Criteria: ACMG Guidelines, 2015. Collection method: clinical testing. Allele origin: unknown.

NM_000548.5(TSC2):c.5254C>G (p.Gln1752Glu)

Gene: TSC2 (TSC complex subunit 2; plus strand). Cytogenetic location: 16p13.3.
Variant type: single nucleotide variant.
Coding change: c.5254C>G on transcript NM_000548.5 (MANE Select); coding-DNA position 5254, C replaced by G.
Protein change: p.Gln1752Glu; replaces glutamine 1752 with glutamic acid.
Molecular consequence: missense variant.
Genome position (GRCh38, 1-based): chr16:2,088,320, C>G. VCF-style: chr16-2088320-C-G. GRCh37 (hg19) VCF-style: chr16-2138321-C-G.
Other names: c.5053C>G, p.Gln1685Glu (NM_001077183.3); c.5185C>G, p.Gln1729Glu (NM_001114382.3); c.4945C>G, p.Gln1649Glu (NM_001318827.2); c.4909C>G, p.Gln1637Glu (NM_001318829.2); c.4522C>G, p.Gln1508Glu (NM_001318831.2); c.5086C>G, p.Gln1696Glu (NM_001318832.2); c.5056C>G, p.Gln1686Glu (NM_001363528.2); c.5122C>G, p.Gln1708Glu (NM_001370404.1); and 2 more; short protein forms Q1752E, Q1508E, Q1637E, Q1705E, Q1685E, Q1709E, Q1649E, Q1686E.
Identifiers: ClinVar variation 535883 (VCV000535883.15), dbSNP rs45517414, ClinGen allele CA394314782.